The following is an entry in ClinVar:

NM_001853.4(COL9A3):c.1401G>A (p.Glu467=)

Genes: COL9A3 (collagen type IX alpha 3 chain; plus strand), LOC126863084 (MED14-independent group 3 enhancer GRCh37_chr20:61467141-61468340; plus strand). Cytogenetic location: 20q13.33.
Variant type: single nucleotide variant.
Coding change: c.1401G>A on transcript NM_001853.4 (MANE Select); coding-DNA position 1401, G replaced by A.
Protein change: p.Glu467=; no amino-acid change (glutamic acid 467 retained).
Molecular consequence: synonymous variant.
Genome position (GRCh38, 1-based): chr20:62,835,953, G>A. VCF-style: chr20-62835953-G-A. GRCh37 (hg19) VCF-style: chr20-61467305-G-A.
Identifiers: ClinVar variation 3695609 (VCV003695609.2).

ClinVar aggregate classification (germline): Uncertain significance (1 of 4 stars; one submission).

Submission:

Labcorp Genetics (formerly Invitae), Labcorp
Classification: Uncertain significance. Last evaluated: 2024-10-30. Review status: criteria provided, single submitter. Criteria: Invitae Variant Classification Sherloc (09022015). Collection method: clinical testing. Allele origin: germline.
Comment: This sequence change affects codon 467 of the COL9A3 mRNA. It is a 'silent' change, meaning that it does not change the encoded amino acid sequence of the COL9A3 protein. This variant also falls at the last nucleotide of exon 27, which is part of the consensus splice site for this exon. This variant is not present in population databases (gnomAD no frequency). This variant has not been reported in the literature in individuals affected with COL9A3-related conditions. Variants that disrupt the consensus splice site are a relatively common cause of aberrant splicing (PMID: 17576681, 9536098). Algorithms developed to predict the effect of sequence changes on RNA splicing suggest that this variant may disrupt the consensus splice site. In summary, the available evidence is currently insufficient to determine the role of this variant in disease. Therefore, it has been classified as a Variant of Uncertain Significance.

Literature cited by the submitters: PubMed 17576681; PubMed 9536098.